The following is an entry in ClinVar:

ClinVar aggregate classification (germline): Uncertain significance (1 of 4 stars; one submission).

Conditions:
TH-deficient dopa-responsive dystonia. Also called: Segawa syndrome, autosomal recessive; Tyrosine Hydroxylase-Deficient Dopa-Responsive Dystonia; DYT-TH. Identifiers: Orphanet 101150, MedGen C2673535, MONDO:0011551, OMIM 605407.

Allele frequency attached by ClinVar (database versions not stated): gnomAD exomes below 0.00001.
gnomAD v4.1: 2 of 1,612,606 alleles (0.00012%); highest among the groups gnomAD compares: Non-Finnish European, 0.000085%; no homozygotes.

Submission:

Labcorp Genetics (formerly Invitae), Labcorp
Classification: Uncertain significance for TH-deficient dopa-responsive dystonia. Last evaluated: 2021-08-12. Review status: criteria provided, single submitter. Criteria: Invitae Variant Classification Sherloc (09022015). Collection method: clinical testing. Allele origin: germline.
Comment: This sequence change replaces valine with alanine at codon 405 of the TH protein (p.Val405Ala). The valine residue is highly conserved and there is a small physicochemical difference between valine and alanine. This variant is not present in population databases (ExAC no frequency). This missense change has been observed in individual(s) with clinical features of TH-related conditions (Invitae). Algorithms developed to predict the effect of missense changes on protein structure and function (SIFT, PolyPhen-2, Align-GVGD) all suggest that this variant is likely to be disruptive. In summary, the available evidence is currently insufficient to determine the role of this variant in disease. Therefore, it has been classified as a Variant of Uncertain Significance.

NM_000360.4(TH):c.1121T>C (p.Val374Ala)

Gene: TH (tyrosine hydroxylase; minus strand). Cytogenetic location: 11p15.5.
Variant type: single nucleotide variant.
Coding change: c.1121T>C on transcript NM_000360.4 (MANE Select); coding-DNA position 1121, T replaced by C.
Protein change: p.Val374Ala; replaces valine 374 with alanine.
Molecular consequence: missense variant.
Genome position (GRCh38, 1-based): chr11:2,165,747, A>G on the plus strand (T>C on the coding strand, the complement: TH is on the minus strand). VCF-style: chr11-2165747-A-G. GRCh37 (hg19) VCF-style: chr11-2186977-A-G.
Other names: c.1214T>C, p.Val405Ala (NM_199292.3); c.1202T>C, p.Val401Ala (NM_199293.3); short protein forms V405A, V374A, V401A.
Identifiers: ClinVar variation 856884 (VCV000856884.6), dbSNP rs1846072496, ClinGen allele CA379125740.